The following is an entry in ClinVar:

NM_024408.4(NOTCH2):c.1280G>A (p.Cys427Tyr)

Gene: NOTCH2 (notch receptor 2; minus strand). Cytogenetic location: 1p12.
Variant type: single nucleotide variant.
Coding change: c.1280G>A on transcript NM_024408.4 (MANE Select); coding-DNA position 1280, G replaced by A.
Protein change: p.Cys427Tyr; replaces cysteine 427 with tyrosine.
Molecular consequence: missense variant.
Genome position (GRCh38, 1-based): chr1:119,967,606, C>T on the plus strand (G>A on the coding strand, the complement: NOTCH2 is on the minus strand). VCF-style: chr1-119967606-C-T. GRCh37 (hg19) VCF-style: chr1-120510229-C-T.
Other names: c.1280G>A, p.Cys427Tyr (NM_001200001.2); short protein forms C427Y.
Identifiers: ClinVar variation 581721 (VCV000581721.13), dbSNP rs1557825800, ClinGen allele CA341878648.

ClinVar aggregate classification (germline): Uncertain significance. Review status: criteria provided, multiple submitters, no conflicts (2 of 4 stars). 2 submissions from 2 submitters: Uncertain significance (2). Last evaluated 2018-09-12.

Conditions:
Hajdu-Cheney syndrome (HJCYS). Also called: ACROOSTEOLYSIS WITH OSTEOPOROSIS AND CHANGES IN SKULL AND MANDIBLE; Acroosteolysis dominant type; SERPENTINE FIBULA-POLYCYSTIC KIDNEY SYNDROME. Identifiers: Orphanet 955, MedGen C0917715, MONDO:0007057, OMIM 102500.

Submissions (2):

Eurofins Ntd Llc (ga)
Classification: Uncertain significance. Last evaluated: 2018-09-12. Review status: criteria provided, single submitter. Criteria: EGL ClinVar v180209 classification definitions. Collection method: clinical testing. Allele origin: germline. Observed: 1 variant allele, 1 heterozygote.

Labcorp Genetics (formerly Invitae), Labcorp
Classification: Uncertain significance for Hajdu-Cheney syndrome. Last evaluated: 2018-05-22. Review status: criteria provided, single submitter. Criteria: Invitae Variant Classification Sherloc (09022015). Collection method: clinical testing. Allele origin: germline.
Comment: In summary, the available evidence is currently insufficient to determine the role of this variant in disease. Therefore, it has been classified as a Variant of Uncertain Significance. This sequence change replaces cysteine with tyrosine at codon 427 of the NOTCH2 protein (p.Cys427Tyr). The cysteine residue is highly conserved and there is a large physicochemical difference between cysteine and tyrosine. This variant is not present in population databases (ExAC no frequency). This variant has not been reported in the literature in individuals with NOTCH2-related disease. Algorithms developed to predict the effect of missense changes on protein structure and function (SIFT, PolyPhen-2, Align-GVGD) all suggest that this variant is likely to be disruptive, but these predictions have not been confirmed by published functional studies and their clinical significance is uncertain.